The following is an entry in ClinVar:

NM_001363118.2(SLC52A2):c.244C>T (p.Arg82Trp)

Gene: SLC52A2 (solute carrier family 52 member 2; plus strand). Cytogenetic location: 8q24.3.
Variant type: single nucleotide variant.
Coding change: c.244C>T on transcript NM_001363118.2 (MANE Select); coding-DNA position 244, C replaced by T.
Protein change: p.Arg82Trp; replaces arginine 82 with tryptophan.
Molecular consequence: missense variant. On other transcripts: non-coding transcript variant (1), intron variant (1).
Genome position (GRCh38, 1-based): chr8:144,359,736, C>T. VCF-style: chr8-144359736-C-T. GRCh37 (hg19) VCF-style: chr8-145583396-C-T.
Other names: c.244C>T, p.Arg82Trp (NM_001253815.2, NM_001253816.2, NM_001363120.2 and 2 more transcripts); c.130+313C>T (NM_001363122.2); c.244C>T (NM_001253816.1); short protein forms R82W.
Identifiers: ClinVar variation 959811 (VCV000959811.17), dbSNP rs782293996, ClinGen allele CA4938151.
Genomic context (GRCh38, chr8:144,359,736, plus strand): 5'-CTGCTGGTGGTGACCCTCTGGAGGAGGCTGGCCCCAGGAAAGGACGAGCAGGTCCCCATC[C>T]GGGTGGTGCAGGTGCTGGGCATGGTGGGCACAGCCCTGCTGGCCTCTCTGTGGCACCATG-3'
Protein context (NP_001350047.1, residues 72-92): APGKDEQVPI[Arg82Trp]VVQVLGMVGT

ClinVar aggregate classification (germline): Uncertain significance. Review status: criteria provided, multiple submitters, no conflicts (2 of 4 stars). 7 submissions from 7 submitters: Uncertain significance (5). 2 of the submissions do not count toward it. Last evaluated 2025-06-05.

Conditions:
Inborn genetic diseases. Identifiers: MedGen C0950123, MeSH D030342.
Brown-Vialetto-van Laere syndrome 2. Also called: SPINOCEREBELLAR ATAXIA WITH BLINDNESS AND DEAFNESS 2; Riboflavin transporter deficiency type 2. Identifiers: Orphanet 572543, Orphanet 97229, MedGen C3553538, MONDO:0013867, OMIM 614707.
SLC52A2-related disorder. Also called: SLC52A2-related condition.

Allele frequency attached by ClinVar (database versions not stated): gnomAD 0.00004; gnomAD exomes 0.00009 and 0.00006; ExAC 0.00010; TOPMed 0.00005.

Submissions (7):

PreventionGenetics, part of Exact Sciences
Classification: Uncertain significance for SLC52A2-related condition. Last evaluated: 2025-06-05. Review status: criteria provided, single submitter. Criteria: ACMG Guidelines, 2015. Collection method: clinical testing. Allele origin: germline.
Comment: The SLC52A2 c.244C>T variant is predicted to result in the amino acid substitution p.Arg82Trp. To our knowledge, this variant has not been reported in the literature. This variant is reported in 0.015% of alleles in individuals of East Asian descent in gnomAD. At this time, the clinical significance of this variant is uncertain due to the absence of conclusive functional and genetic evidence.

Ambry Genetics
Classification: Uncertain significance for Inborn genetic diseases. Last evaluated: 2024-05-06. Review status: criteria provided, single submitter. Criteria: Ambry Variant Classification Scheme 2023. Collection method: clinical testing. Allele origin: germline.

GeneDx
Classification: Uncertain significance. Last evaluated: 2023-08-25. Review status: criteria provided, single submitter. Criteria: GeneDx Variant Classification Process June 2021. Collection method: clinical testing. Allele origin: germline.
Comment: Not observed at significant frequency in large population cohorts (gnomAD); In silico analysis supports that this missense variant does not alter protein structure/function; Has not been previously published as pathogenic or benign to our knowledge

Labcorp Genetics (formerly Invitae), Labcorp
Classification: Uncertain significance for Brown-Vialetto-van Laere syndrome 2. Last evaluated: 2022-09-27. Review status: criteria provided, single submitter. Criteria: Invitae Variant Classification Sherloc (09022015). Collection method: clinical testing. Allele origin: germline.
Comment: This sequence change replaces arginine, which is basic and polar, with tryptophan, which is neutral and slightly polar, at codon 82 of the SLC52A2 protein (p.Arg82Trp). This variant is present in population databases (rs782293996, gnomAD 0.02%). This variant has not been reported in the literature in individuals affected with SLC52A2-related conditions. ClinVar contains an entry for this variant (Variation ID: 959811). Advanced modeling of protein sequence and biophysical properties (such as structural, functional, and spatial information, amino acid conservation, physicochemical variation, residue mobility, and thermodynamic stability) performed at Invitae indicates that this missense variant is not expected to disrupt SLC52A2 protein function. In summary, the available evidence is currently insufficient to determine the role of this variant in disease. Therefore, it has been classified as a Variant of Uncertain Significance.

Breakthrough Genomics
Classification: Uncertain significance. Review status: criteria provided, single submitter. Criteria: ACMG Guidelines, 2015. Collection method: not provided. Allele origin: germline. Inheritance: Autosomal recessive inheritance. Affected: yes.

Clinical Genetics DNA and cytogenetics Diagnostics Lab, Erasmus MC, Erasmus Medical Center
Classification: Uncertain significance. Review status: no assertion criteria provided. Collection method: clinical testing. Allele origin: germline. Affected: yes. Study: VKGL Data-share Consensus. Not counted in ClinVar's aggregate classification.

Clinical Genetics, Academic Medical Center
Classification: Uncertain significance. Review status: no assertion criteria provided. Collection method: clinical testing. Allele origin: germline. Affected: yes. Study: VKGL Data-share Consensus. Not counted in ClinVar's aggregate classification.